The following is an entry in ClinVar:

NM_000234.3(LIG1):c.1770_1776del (p.Asn590fs)

Gene: LIG1 (DNA ligase 1; minus strand). Cytogenetic location: 19q13.33.
Variant type: Deletion.
Coding change: c.1770_1776del on transcript NM_000234.3 (MANE Select); coding-DNA positions 1770 to 1776, 7 bases deleted (TCAGGAA; older notation c.1770_1776delTCAGGAA).
Protein change: p.Asn590fs; shifts the reading frame from asparagine 590.
Molecular consequence: frameshift variant. On other transcripts: non-coding transcript variant (6).
Genome position (GRCh38, 1-based): chr19:48,131,121-48,131,127, TTCCTGA deleted on the plus strand (TCAGGAA on the coding strand, the reverse complement: LIG1 is on the minus strand); deleting any 7 consecutive bases within chr19:48,131,121-48,131,133 gives the same sequence; the c. name uses the placement nearest the transcript's 3' end. VCF-style (leftmost placement, unchanged base first): chr19-48131120-CTTCCTGA-C. GRCh37 (hg19) VCF-style: chr19-48634377-CTTCCTGA-C.
Other names: c.1677_1683del, p.Asn559fs (NM_001289063.2); c.1566_1572del, p.Asn522fs (NM_001289064.2); c.1767_1773del, p.Asn589fs (NM_001320970.2); c.1680_1686del, p.Asn560fs (NM_001320971.2); short protein forms N559fs, N589fs, N590fs, N522fs, N560fs.
Identifiers: ClinVar variation 1479195 (VCV001479195.6), dbSNP rs2122531727, ClinGen allele CA2573156501.
Genomic context (GRCh38, chr19:48,131,120, plus strand): 5'-TGTGGCAGACGCCCACCTTGGGGATGCGGCTGATGATGTCCGGGTACTTCCCAGTGTTGT[CTTCCTGA>C]TTCCTGCTGAAGATCTTCACCTCCCCGCCTTCCAGGGCGTGGATCTGTCACGATGGGAGA-3'

ClinVar aggregate classification (germline): Uncertain significance (1 of 4 stars; one submission).

Submission:

Labcorp Genetics (formerly Invitae), Labcorp
Classification: Uncertain significance. Last evaluated: 2022-10-04. Review status: criteria provided, single submitter. Criteria: Invitae Variant Classification Sherloc (09022015). Collection method: clinical testing. Allele origin: germline.
Comment: This sequence change creates a premature translational stop signal (p.Asn590Lysfs*124) in the LIG1 gene. It is expected to result in an absent or disrupted protein product. However, the current clinical and genetic evidence is not sufficient to establish whether loss-of-function variants in LIG1 cause disease. This variant is not present in population databases (gnomAD no frequency). In summary, the available evidence is currently insufficient to determine the role of this variant in disease. Therefore, it has been classified as a Variant of Uncertain Significance. ClinVar contains an entry for this variant (Variation ID: 1479195). This variant has not been reported in the literature in individuals affected with LIG1-related conditions.